The following is an entry in ClinVar:

NM_014915.3(ANKRD26):c.4816G>C (p.Val1606Leu)

Gene: ANKRD26 (ankyrin repeat domain containing 26; minus strand). Cytogenetic location: 10p12.1.
Variant type: single nucleotide variant.
Coding change: c.4816G>C on transcript NM_014915.3 (MANE Select); coding-DNA position 4816, G replaced by C.
Protein change: p.Val1606Leu; replaces valine 1606 with leucine.
Molecular consequence: missense variant.
Genome position (GRCh38, 1-based): chr10:27,013,019, C>G on the plus strand (G>C on the coding strand, the complement: ANKRD26 is on the minus strand). VCF-style: chr10-27013019-C-G. GRCh37 (hg19) VCF-style: chr10-27301948-C-G.
Other names: c.4813G>C, p.Val1605Leu (NM_001256053.2); short protein forms V1606L, V1605L.
Identifiers: ClinVar variation 4103965 (VCV004103965.1).

ClinVar aggregate classification (germline): Uncertain significance (1 of 4 stars; one submission).

Conditions:
Inborn genetic diseases. Identifiers: MedGen C0950123, MeSH D030342.

Submission:

Ambry Genetics
Classification: Uncertain significance for Inborn genetic diseases. Last evaluated: 2025-08-02. Review status: criteria provided, single submitter. Criteria: Ambry Variant Classification Scheme 2023. Collection method: clinical testing. Allele origin: germline.
Comment: The p.V1606L variant (also known as c.4816G>C), located in coding exon 32 of the ANKRD26 gene, results from a G to C substitution at nucleotide position 4816. The valine at codon 1606 is replaced by leucine, an amino acid with highly similar properties. This amino acid position is conserved. In addition, this alteration is predicted to be tolerated by in silico analysis. Based on the available evidence, the clinical significance of this variant remains unclear.